The following is an entry in ClinVar:

NM_006767.4(LZTR1):c.635T>C (p.Leu212Pro)

Gene: LZTR1 (leucine zipper like post translational regulator 1; plus strand). Cytogenetic location: 22q11.21.
Variant type: single nucleotide variant.
Coding change: c.635T>C on transcript NM_006767.4 (MANE Select); coding-DNA position 635, T replaced by C.
Protein change: p.Leu212Pro; replaces leucine 212 with proline.
Molecular consequence: missense variant.
Genome position (GRCh38, 1-based): chr22:20,989,666, T>C. VCF-style: chr22-20989666-T-C. GRCh37 (hg19) VCF-style: chr22-21343955-T-C.
Other names: short protein forms L212P.
Identifiers: ClinVar variation 3869282 (VCV003869282.1).

ClinVar aggregate classification (germline): Uncertain significance (1 of 4 stars; one submission).

Conditions:
Cardiovascular phenotype. Identifiers: MedGen CN230736.
Hereditary cancer-predisposing syndrome. Also called: Tumor predisposition; Neoplastic Syndromes, Hereditary; Hereditary Cancer Syndrome; Hereditary neoplastic syndrome. Identifiers: Orphanet 140162, MedGen C0027672, MeSH D009386, MONDO:0015356.

Submission:

Ambry Genetics
Classification: Uncertain significance for Cardiovascular phenotype; Hereditary cancer-predisposing syndrome. Last evaluated: 2024-12-29. Review status: criteria provided, single submitter. Criteria: Ambry Variant Classification Scheme 2023. Collection method: clinical testing. Allele origin: germline.
Comment: The p.L212P variant (also known as c.635T>C), located in coding exon 7 of the LZTR1 gene, results from a T to C substitution at nucleotide position 635. The leucine at codon 212 is replaced by proline, an amino acid with similar properties. This amino acid position is conserved. In addition, the in silico prediction for this alteration is inconclusive. Based on the available evidence, the clinical significance of this variant remains unclear.